The following is an entry in ClinVar:

ClinVar aggregate classification (germline): Uncertain significance. Review status: criteria provided, multiple submitters, no conflicts (2 of 4 stars). 2 submissions from 2 submitters: Uncertain significance (2). Last evaluated 2025-03-20.

Conditions:
Inborn genetic diseases. Identifiers: MedGen C0950123, MeSH D030342.
Compton-North congenital myopathy (CMYO12). Identifiers: Orphanet 210163, MedGen C2675527, MONDO:0012929, OMIM 612540.

Allele frequency attached by ClinVar (database versions not stated): gnomAD exomes 0.00001; TOPMed 0.00001; gnomAD 0.00002; ESP Exome Variant Server 0.00008.
gnomAD v4.1: 10 of 1,612,236 alleles (0.00062%); highest among the groups gnomAD compares: African/African-American, 0.0027%; no homozygotes.

Submissions (2):

Ambry Genetics
Classification: Uncertain significance for Inborn genetic diseases. Last evaluated: 2025-03-20. Review status: criteria provided, single submitter. Criteria: Ambry Variant Classification Scheme 2023. Collection method: clinical testing. Allele origin: germline.

Labcorp Genetics (formerly Invitae), Labcorp
Classification: Uncertain significance for Compton-North congenital myopathy. Last evaluated: 2022-05-28. Review status: criteria provided, single submitter. Criteria: Invitae Variant Classification Sherloc (09022015). Collection method: clinical testing. Allele origin: germline.
Comment: In summary, the available evidence is currently insufficient to determine the role of this variant in disease. Therefore, it has been classified as a Variant of Uncertain Significance. Advanced modeling of protein sequence and biophysical properties (such as structural, functional, and spatial information, amino acid conservation, physicochemical variation, residue mobility, and thermodynamic stability) performed at Invitae indicates that this missense variant is not expected to disrupt CNTN1 protein function. ClinVar contains an entry for this variant (Variation ID: 1051303). This variant has not been reported in the literature in individuals affected with CNTN1-related conditions. This variant is present in population databases (rs374678549, gnomAD 0.007%). This sequence change replaces serine, which is neutral and polar, with phenylalanine, which is neutral and non-polar, at codon 564 of the CNTN1 protein (p.Ser564Phe).

NM_001843.4(CNTN1):c.1691C>T (p.Ser564Phe)

Gene: CNTN1 (contactin 1; plus strand). Cytogenetic location: 12q12.
Variant type: single nucleotide variant.
Coding change: c.1691C>T on transcript NM_001843.4 (MANE Select); coding-DNA position 1691, C replaced by T.
Protein change: p.Ser564Phe; replaces serine 564 with phenylalanine.
Molecular consequence: missense variant.
Genome position (GRCh38, 1-based): chr12:40,959,121, C>T. VCF-style: chr12-40959121-C-T. GRCh37 (hg19) VCF-style: chr12-41352923-C-T.
Other names: c.1691C>T, p.Ser564Phe (NM_001256063.2, NM_001256064.2); c.1658C>T, p.Ser553Phe (NM_175038.2); c.1691C>T (NM_001843.2); short protein forms S553F, S564F.
Identifiers: ClinVar variation 1051303 (VCV001051303.9), dbSNP rs374678549, ClinGen allele CA235415049.